The following is an entry in ClinVar:

ClinVar aggregate classification (germline): Uncertain significance (1 of 4 stars; one submission).

Conditions:
PIGA-related disorder. Also called: PIGA-related condition.

Submission:

PreventionGenetics, part of Exact Sciences
Classification: Uncertain significance for PIGA-related condition. Last evaluated: 2023-09-27. Review status: criteria provided, single submitter. Criteria: ACMG Guidelines, 2015. Collection method: clinical testing. Allele origin: germline.
Comment: The PIGA c.1127A>G variant is predicted to result in the amino acid substitution p.Asn376Ser. To our knowledge, this variant has not been reported in the literature or in a large population database, indicating this variant is rare. At this time, the clinical significance of this variant is uncertain due to the absence of conclusive functional and genetic evidence.

NM_002641.4(PIGA):c.1127A>G (p.Asn376Ser)

Gene: PIGA (phosphatidylinositol glycan anchor biosynthesis class A; minus strand). Cytogenetic location: Xp22.2.
Variant type: single nucleotide variant.
Coding change: c.1127A>G on transcript NM_002641.4 (MANE Select); coding-DNA position 1127, A replaced by G.
Protein change: p.Asn376Ser; replaces asparagine 376 with serine.
Molecular consequence: missense variant. On other transcripts: non-coding transcript variant (2).
Genome position (GRCh38, 1-based): chrX:15,324,726, T>C on the plus strand (A>G on the coding strand, the complement: PIGA is on the minus strand). VCF-style: chrX-15324726-T-C. GRCh37 (hg19) VCF-style: chrX-15342848-T-C.
Other names: c.425A>G, p.Asn142Ser (NM_020473.3); short protein forms N142S, N376S.
Identifiers: ClinVar variation 2630706 (VCV002630706.1), dbSNP rs2519324656, ClinGen allele CA412335263.
Genomic context (GRCh38, chrX:15,324,726, plus strand): 5'-TTTTCAGTTCTTTCTGCAACATTCCTCCAGGTGTAGAAAGTCTTTACTATGTTATGGATG[T>C]TTTCTGGAGCTGGCAATGTCCCTGACTTCAGTTGGAAAATAGCCTTTTCCAATCCTTCAC-3'
Protein context (NP_002632.1, residues 366-386): LKSGTLPAPE[Asn376Ser]IHNIVKTFYT